The following is an entry in ClinVar:

NM_000089.4(COL1A2):c.2025+50del

Gene: COL1A2 (collagen type I alpha 2 chain; plus strand). Cytogenetic location: 7q21.3.
Variant type: Deletion.
Coding change: c.2025+50del on transcript NM_000089.4 (MANE Select); 50 bases into the intron after coding-DNA position 2025, one base deleted (A; older notation c.2025+50delA).
Molecular consequence: intron variant.
Genome position (GRCh38, 1-based): chr7:94,418,602, A deleted. VCF-style (leftmost placement, unchanged base first): chr7-94418601-TA-T. GRCh37 (hg19) VCF-style: chr7-94047913-TA-T.
Other names: c.2025+50delA (NM_000089.3).
Identifiers: ClinVar variation 675024 (VCV000675024.1), dbSNP rs68023599, ClinGen allele CA4347273.

ClinVar aggregate classification (germline): Benign (1 of 4 stars; one submission).

Allele frequency attached by ClinVar (database versions not stated): gnomAD exomes 0.03520 and 0.07046; ExAC 0.07852; gnomAD 0.14465 and 0.14708; 1000 Genomes Project 0.21845.

Submission:

GeneDx
Classification: Benign. Last evaluated: 2018-06-19. Review status: criteria provided, single submitter. Criteria: GeneDx Variant Classification (06012015). Collection method: clinical testing. Allele origin: germline. Affected: yes.
Comment: This variant is considered likely benign or benign based on one or more of the following criteria: it is a conservative change, it occurs at a poorly conserved position in the protein, it is predicted to be benign by multiple in silico algorithms, and/or has population frequency not consistent with disease.